The following is an entry in ClinVar:

ClinVar aggregate classification (germline): Uncertain significance (1 of 4 stars; one submission).

Conditions:
Hereditary nonpolyposis colorectal neoplasms. Identifiers: MedGen C0009405, MeSH D003123.

Allele frequency attached by ClinVar (database versions not stated): gnomAD exomes below 0.00001.
gnomAD v4.1: 1 of 1,613,986 alleles (0.000062%); highest among the groups gnomAD compares: Non-Finnish European, 0.000085%; no homozygotes.

Submission:

Labcorp Genetics (formerly Invitae), Labcorp
Classification: Uncertain significance for Hereditary nonpolyposis colorectal neoplasms. Last evaluated: 2021-12-27. Review status: criteria provided, single submitter. Criteria: Invitae Variant Classification Sherloc (09022015). Collection method: clinical testing. Allele origin: germline.
Comment: In summary, the available evidence is currently insufficient to determine the role of this variant in disease. Therefore, it has been classified as a Variant of Uncertain Significance. Advanced modeling of protein sequence and biophysical properties (such as structural, functional, and spatial information, amino acid conservation, physicochemical variation, residue mobility, and thermodynamic stability) performed at Invitae indicates that this missense variant is expected to disrupt MSH6 protein function. ClinVar contains an entry for this variant (Variation ID: 1010011). This variant has not been reported in the literature in individuals affected with MSH6-related conditions. This variant is not present in population databases (gnomAD no frequency). This sequence change replaces serine, which is neutral and polar, with cysteine, which is neutral and slightly polar, at codon 1297 of the MSH6 protein (p.Ser1297Cys).

NM_000179.3(MSH6):c.3889A>T (p.Ser1297Cys)

Gene: MSH6 (mutS homolog 6; plus strand). Cytogenetic location: 2p16.3.
Variant type: single nucleotide variant.
Coding change: c.3889A>T on transcript NM_000179.3 (MANE Select); coding-DNA position 3889, A replaced by T.
Protein change: p.Ser1297Cys; replaces serine 1297 with cysteine.
Molecular consequence: missense variant.
Genome position (GRCh38, 1-based): chr2:47,806,539, A>T. VCF-style: chr2-47806539-A-T. GRCh37 (hg19) VCF-style: chr2-48033678-A-T.
Other names: c.3499A>T, p.Ser1167Cys (NM_001281492.2); c.2983A>T, p.Ser995Cys (NM_001281493.2, NM_001281494.2); short protein forms S1167C, S1297C, S995C.
Identifiers: ClinVar variation 1010011 (VCV001010011.9), dbSNP rs1670114718, ClinGen allele CA346761394.
Genomic context (GRCh38, chr2:47,806,539, plus strand): 5'-GACCCCAGCCAGGAGACTATTACGTTCCTCTATAAATTCATTAAGGGAGCTTGTCCTAAA[A>T]GCTATGGCTTTAATGCAGCAAGGCTTGCTAATCTCCCAGAGGAAGTTATTCAAAAGGGAC-3'
Protein context (NP_000170.1, residues 1287-1307): YKFIKGACPK[Ser1297Cys]YGFNAARLAN